The following is an entry in ClinVar:

ClinVar aggregate classification (germline): Pathogenic (1 of 4 stars; one submission).

Conditions:
Hyperimmunoglobulin D with periodic fever (HIDS). Also called: Hyperimmunoglobulinemia D with periodic fever; HYPERIMMUNOGLOBULINEMIA D AND PERIODIC FEVER SYNDROME; Hyperimmunoglobulinemia D. Identifiers: Orphanet 343, MedGen C0398691, MONDO:0009849, OMIM 260920.
Porokeratosis 3, disseminated superficial actinic type (POROK3). Also called: POROKERATOSIS, DISSEMINATED SUPERFICIAL ACTINIC, 1; POROKERATOSIS 3, MULTIPLE TYPES; POROKERATOSIS 3, MIBELLI TYPE. Identifiers: MedGen C1867981, MONDO:0008293, OMIM 175900.
Mevalonic aciduria (MEVA). Identifiers: Orphanet 29, MedGen C1959626, MONDO:0012481, OMIM 610377.

Submission:

Labcorp Genetics (formerly Invitae), Labcorp
Classification: Pathogenic for Mevalonic aciduria; Hyperimmunoglobulin D with periodic fever; Porokeratosis 3, disseminated superficial actinic type. Last evaluated: 2022-05-27. Review status: criteria provided, single submitter. Criteria: Invitae Variant Classification Sherloc (09022015). Collection method: clinical testing. Allele origin: germline.
Comment: For these reasons, this variant has been classified as Pathogenic. This premature translational stop signal has been observed in individual(s) with autosomal dominant porokeratosis (PMID: 22983302). This variant is not present in population databases (gnomAD no frequency). This sequence change creates a premature translational stop signal (p.Cys161Argfs*25) in the MVK gene. It is expected to result in an absent or disrupted protein product. Loss-of-function variants in MVK are known to be pathogenic (PMID: 16835861, 17105862, 23834120).

Literature cited by the submitters: PubMed 22983302; PubMed 16835861; PubMed 17105862; PubMed 23834120.

NM_000431.4(MVK):c.481_482del (p.Cys161fs)

Gene: MVK (mevalonate kinase; plus strand). Cytogenetic location: 12q24.11.
Variant type: Microsatellite.
Coding change: c.481_482del on transcript NM_000431.4 (MANE Select); coding-DNA positions 481 to 482, 2 bases deleted (TG; older notation c.481_482delTG).
Protein change: p.Cys161fs; shifts the reading frame from cysteine 161.
Molecular consequence: frameshift variant. On other transcripts: intron variant (1).
Genome position (GRCh38, 1-based): chr12:109,581,504-109,581,505, TG deleted; deleting any 2 consecutive bases within chr12:109,581,500-109,581,505 gives the same sequence; the c. name uses the placement nearest the transcript's 3' end. VCF-style (leftmost placement, unchanged base first): chr12-109581499-CTG-C. GRCh37 (hg19) VCF-style: chr12-110019304-CTG-C.
Other names: c.481_482del, p.Cys161fs (NM_001114185.3); c.477_478TG[2], p.Cys161Argfs (NM_001414511.1, NM_001414512.1, NM_001414513.1); c.-106_-105TG[2] (NM_001414515.1); c.371+1554TG[2] (NM_001301182.2); short protein forms C161fs.
Identifiers: ClinVar variation 2137420 (VCV002137420.4), dbSNP rs2548625552, ClinGen allele CA2580614552.
Genomic context (GRCh38, chr12:109,581,499, plus strand): 5'-CCGGGGCGGGCTTGGGCTCCAGCGCCGCCTACTCGGTGTGTCTGGCAGCAGCCCTCCTGA[CTG>C]TGTGCGAGGAGATCCCAAACCCGCTGAAGGACGGGGATTGCGTCAACAGGTAACCATGGT-3'